The following is an entry in ClinVar:

ClinVar aggregate classification (germline): Uncertain significance (1 of 4 stars; one submission).

Submission:

GeneDx
Classification: Uncertain significance. Last evaluated: 2023-10-23. Review status: criteria provided, single submitter. Criteria: GeneDx Variant Classification Process June 2021. Collection method: clinical testing. Allele origin: germline. Affected: yes.
Comment: Not observed at significant frequency in large population cohorts (gnomAD); In silico analysis supports that this missense variant does not alter protein structure/function; Has not been previously published as pathogenic or benign to our knowledge

NM_138927.4(SON):c.3101T>A (p.Met1034Lys)

Gene: SON (SON DNA and RNA binding protein; plus strand). Cytogenetic location: 21q22.11.
Variant type: single nucleotide variant.
Coding change: c.3101T>A on transcript NM_138927.4 (MANE Select); coding-DNA position 3101, T replaced by A.
Protein change: p.Met1034Lys; replaces methionine 1034 with lysine.
Molecular consequence: missense variant. On other transcripts: non-coding transcript variant (1), intron variant (1).
Genome position (GRCh38, 1-based): chr21:33,552,332, T>A. VCF-style: chr21-33552332-T-A. GRCh37 (hg19) VCF-style: chr21-34924638-T-A.
Other names: c.3101T>A, p.Met1034Lys (NM_001291411.2, NM_032195.3); c.245-4824T>A (NM_001291412.3); short protein forms M1034K.
Identifiers: ClinVar variation 3363303 (VCV003363303.1).